The following is an entry in ClinVar:

NM_003107.3(SOX4):c.765C>G (p.Asp255Glu)

Gene: SOX4 (SRY-box transcription factor 4; plus strand). Cytogenetic location: 6p22.3.
Variant type: single nucleotide variant.
Coding change: c.765C>G on transcript NM_003107.3 (MANE Select); coding-DNA position 765, C replaced by G.
Protein change: p.Asp255Glu; replaces aspartic acid 255 with glutamic acid.
Molecular consequence: missense variant.
Genome position (GRCh38, 1-based): chr6:21,595,299, C>G. VCF-style: chr6-21595299-C-G. GRCh37 (hg19) VCF-style: chr6-21595530-C-G.
Other names: short protein forms D255E.
Identifiers: ClinVar variation 4082992 (VCV004082992.1).

ClinVar aggregate classification (germline): Uncertain significance (1 of 4 stars; one submission).

Submission:

GeneDx
Classification: Uncertain significance. Last evaluated: 2025-03-10. Review status: criteria provided, single submitter. Criteria: GeneDx Variant Classification Process June 2021. Collection method: clinical testing. Allele origin: germline. Affected: yes.
Comment: Not observed at significant frequency in large population cohorts (gnomAD); In silico analysis indicates that this missense variant does not alter protein structure/function; Has not been previously published as pathogenic or benign to our knowledge